The following is an entry in ClinVar:

NM_000321.3(RB1):c.26C>T (p.Thr9Met)

Gene: RB1 (RB transcriptional corepressor 1; plus strand). Cytogenetic location: 13q14.2.
Variant type: single nucleotide variant.
Coding change: c.26C>T on transcript NM_000321.3 (MANE Select); coding-DNA position 26, C replaced by T.
Protein change: p.Thr9Met; replaces threonine 9 with methionine.
Molecular consequence: missense variant.
Genome position (GRCh38, 1-based): chr13:48,303,938, C>T. VCF-style: chr13-48303938-C-T. GRCh37 (hg19) VCF-style: chr13-48878074-C-T.
Other names: c.26C>T (NM_000321.2); short protein forms T9M.
Identifiers: ClinVar variation 1018131 (VCV001018131.9), dbSNP rs1952051803, ClinGen allele CA388250183.
Genomic context (GRCh38, chr13:48,303,938, plus strand): 5'-CCACAGCTCGCTGGCTCCCGCCGCGGAAAGGCGTCATGCCGCCCAAAACCCCCCGAAAAA[C>T]GGCCGCCACCGCCGCCGCTGCCGCCGCGGAACCCCCGGCACCGCCGCCGCCGCCCCCTCC-3'
Protein context (NP_000312.2, residues 1-19): MPPKTPRK[Thr9Met]AATAAAAAAE

ClinVar aggregate classification (germline): Uncertain significance. Review status: criteria provided, multiple submitters, no conflicts (2 of 4 stars). 2 submissions from 2 submitters: Uncertain significance (2). Last evaluated 2025-06-12.

Conditions:
Hereditary cancer-predisposing syndrome. Also called: Tumor predisposition; Neoplastic Syndromes, Hereditary; Hereditary neoplastic syndrome; Hereditary Cancer Syndrome. Identifiers: Orphanet 140162, MedGen C0027672, MeSH D009386, MONDO:0015356.
Retinoblastoma (RB1). Also called: RETINOBLASTOMA, SOMATIC. Identifiers: Orphanet 790, MedGen C0035335, MeSH D012175, MONDO:0008380, OMIM 180200, HP:0009919. Disease mechanism: loss of function. Inheritance: Both sporadic and heritable forms are tested..

Submissions (2):

Ambry Genetics
Classification: Uncertain significance for Hereditary cancer-predisposing syndrome. Last evaluated: 2025-06-12. Review status: criteria provided, single submitter. Criteria: Ambry Variant Classification Scheme 2023. Collection method: clinical testing. Allele origin: germline.
Comment: The p.T9M variant (also known as c.26C>T), located in coding exon 1 of the RB1 gene, results from a C to T substitution at nucleotide position 26. The threonine at codon 9 is replaced by methionine, an amino acid with similar properties. This amino acid position is conserved. In addition, this alteration is predicted to be tolerated by in silico analysis. Based on the available evidence, the clinical significance of this variant remains unclear.

Labcorp Genetics (formerly Invitae), Labcorp
Classification: Uncertain significance for Retinoblastoma. Last evaluated: 2020-07-31. Review status: criteria provided, single submitter. Criteria: Invitae Variant Classification Sherloc (09022015). Collection method: clinical testing. Allele origin: germline.
Comment: In summary, the available evidence is currently insufficient to determine the role of this variant in disease. Therefore, it has been classified as a Variant of Uncertain Significance. Algorithms developed to predict the effect of missense changes on protein structure and function are either unavailable or do not agree on the potential impact of this missense change (SIFT: "Tolerated"; PolyPhen-2: "Not Available"; Align-GVGD: "Class C0"). This variant has not been reported in the literature in individuals with RB1-related conditions. The frequency data for this variant in the population databases is considered unreliable, as metrics indicate insufficient coverage at this position in the ExAC database. This sequence change replaces threonine with methionine at codon 9 of the RB1 protein (p.Thr9Met). The threonine residue is weakly conserved and there is a moderate physicochemical difference between threonine and methionine.